The following is an entry in ClinVar:

ClinVar aggregate classification (germline): Likely benign (1 of 4 stars; one submission).

Conditions:
Colorectal cancer, hereditary nonpolyposis, type 7. Identifiers: Orphanet 144, MedGen C1858380, MONDO:0013725, OMIM 614385.

Submission:

Myriad Genetics, Inc.
Classification: Likely benign for Colorectal cancer, hereditary nonpolyposis, type 7. Last evaluated: 2026-04-28. Review status: criteria provided, single submitter. Criteria: Myriad Autosomal Dominant, Autosomal Recessive and X-Linked Classification Criteria (2023). Collection method: clinical testing. Allele origin: unknown.
Comment: This variant is considered likely benign. This variant is intronic and is not expected to impact mRNA splicing.

NM_001040108.2(MLH3):c.3828-20A>G

Gene: MLH3 (mutL homolog 3; minus strand). Cytogenetic location: 14q24.3.
Variant type: single nucleotide variant.
Coding change: c.3828-20A>G on transcript NM_001040108.2 (MANE Select); 20 bases into the intron before coding-DNA position 3828, A replaced by G.
Molecular consequence: intron variant.
Genome position (GRCh38, 1-based): chr14:75,030,722, T>C on the plus strand (A>G on the coding strand, the complement: MLH3 is on the minus strand). VCF-style: chr14-75030722-T-C. GRCh37 (hg19) VCF-style: chr14-75497425-T-C.
Other names: c.3756-20A>G (NM_014381.3).
Identifiers: ClinVar variation 4875951 (VCV004875951.1).